The following is an entry in ClinVar:

NM_004186.5(SEMA3F):c.2134A>G (p.Met712Val)

Gene: SEMA3F (semaphorin 3F; plus strand). Cytogenetic location: 3p21.31.
Variant type: single nucleotide variant.
Coding change: c.2134A>G on transcript NM_004186.5 (MANE Select); coding-DNA position 2134, A replaced by G.
Protein change: p.Met712Val; replaces methionine 712 with valine.
Molecular consequence: missense variant.
Genome position (GRCh38, 1-based): chr3:50,187,891, A>G. VCF-style: chr3-50187891-A-G. GRCh37 (hg19) VCF-style: chr3-50225324-A-G.
Other names: c.1837A>G, p.Met613Val (NM_001318798.2); c.2041A>G, p.Met681Val (NM_001318800.2); short protein forms M613V, M681V, M712V.
Identifiers: ClinVar variation 3357936 (VCV003357936.1).

ClinVar aggregate classification (germline): Uncertain significance (0 of 4 stars; one submission).

Conditions:
SEMA3F-related disorder. Also called: SEMA3F-related condition.

gnomAD v4.1: 11 of 1,609,704 alleles (0.00068%); highest among the groups gnomAD compares: Admixed American, 0.018%; no homozygotes.

Submission:

PreventionGenetics, part of Exact Sciences
Classification: Uncertain significance for SEMA3F-related condition. Last evaluated: 2024-09-10. Review status: no assertion criteria provided. Collection method: clinical testing. Allele origin: germline.
Comment: The SEMA3F c.2134A>G variant is predicted to result in the amino acid substitution p.Met712Val. To our knowledge, this variant has not been reported in the literature. This variant is reported in 0.023% of alleles in individuals of Latino descent in gnomAD. At this time, the clinical significance of this variant is uncertain due to the absence of conclusive functional and genetic evidence.